The following is an entry in ClinVar:

ClinVar aggregate classification (germline): Uncertain significance (1 of 4 stars; one submission).

Conditions:
Nephronophthisis 14 (NPHP14). Identifiers: Orphanet 2318, MedGen C3539071, MONDO:0013916, OMIM 614844.

Submission:

Labcorp Genetics (formerly Invitae), Labcorp
Classification: Uncertain significance for Nephronophthisis 14. Last evaluated: 2022-07-26. Review status: criteria provided, single submitter. Criteria: Invitae Variant Classification Sherloc (09022015). Collection method: clinical testing. Allele origin: germline.
Comment: This sequence change replaces asparagine, which is neutral and polar, with histidine, which is basic and polar, at codon 515 of the ZNF423 protein (p.Asn515His). This variant is not present in population databases (gnomAD no frequency). This variant has not been reported in the literature in individuals affected with ZNF423-related conditions. ClinVar contains an entry for this variant (Variation ID: 1387074). Algorithms developed to predict the effect of missense changes on protein structure and function (SIFT, PolyPhen-2, Align-GVGD) all suggest that this variant is likely to be tolerated. In summary, the available evidence is currently insufficient to determine the role of this variant in disease. Therefore, it has been classified as a Variant of Uncertain Significance.

NM_001379286.1(ZNF423):c.1567A>C (p.Asn523His)

Gene: ZNF423 (zinc finger protein 423; minus strand). Cytogenetic location: 16q12.1.
Variant type: single nucleotide variant.
Coding change: c.1567A>C on transcript NM_001379286.1 (MANE Select); coding-DNA position 1567, A replaced by C.
Protein change: p.Asn523His; replaces asparagine 523 with histidine.
Molecular consequence: missense variant.
Genome position (GRCh38, 1-based): chr16:49,637,609, T>G on the plus strand (A>C on the coding strand, the complement: ZNF423 is on the minus strand). VCF-style: chr16-49637609-T-G. GRCh37 (hg19) VCF-style: chr16-49671520-T-G.
Other names: c.1363A>C, p.Asn455His (NM_001271620.2); c.1192A>C, p.Asn398His (NM_001330533.2); c.1543A>C, p.Asn515His (NM_015069.5); short protein forms N398H, N455H, N515H, N523H.
Identifiers: ClinVar variation 1387074 (VCV001387074.6), dbSNP rs2151885070, ClinGen allele CA395847484.